The following is an entry in ClinVar:

ClinVar aggregate classification (germline): Uncertain significance (1 of 4 stars; one submission).

Allele frequency attached by ClinVar (database versions not stated): gnomAD exomes 0.00001.

Submission:

Labcorp Genetics (formerly Invitae), Labcorp
Classification: Uncertain significance. Last evaluated: 2021-09-26. Review status: criteria provided, single submitter. Criteria: Invitae Variant Classification Sherloc (09022015). Collection method: clinical testing. Allele origin: germline.
Comment: In summary, the available evidence is currently insufficient to determine the role of this variant in disease. Therefore, it has been classified as a Variant of Uncertain Significance. Algorithms developed to predict the effect of missense changes on protein structure and function (SIFT, PolyPhen-2, Align-GVGD) all suggest that this variant is likely to be tolerated. This variant has not been reported in the literature in individuals affected with CEP78-related conditions. This variant is not present in population databases (ExAC no frequency). This sequence change replaces histidine with asparagine at codon 447 of the CEP78 protein (p.His447Asn). The histidine residue is weakly conserved and there is a small physicochemical difference between histidine and asparagine.

NM_001330691.3(CEP78):c.1336C>A (p.His446Asn)

Gene: CEP78 (centrosomal protein 78; plus strand). Cytogenetic location: 9q21.2.
Variant type: single nucleotide variant.
Coding change: c.1336C>A on transcript NM_001330691.3 (MANE Select); coding-DNA position 1336, C replaced by A.
Protein change: p.His446Asn; replaces histidine 446 with asparagine.
Molecular consequence: missense variant.
Genome position (GRCh38, 1-based): chr9:78,254,920, C>A. VCF-style: chr9-78254920-C-A. GRCh37 (hg19) VCF-style: chr9-80869836-C-A.
Other names: c.1339C>A, p.His447Asn (NM_001098802.3, NM_001349839.2, NM_001349840.2 and 1 more transcripts); c.1336C>A, p.His446Asn (NM_001330693.3, NM_001330694.2, NM_001349838.2); short protein forms H446N, H447N.
Identifiers: ClinVar variation 1383394 (VCV001383394.6), dbSNP rs1021695749, ClinGen allele CA373861058.